The following is an entry in ClinVar:

ClinVar aggregate classification (germline): Uncertain significance (1 of 4 stars; one submission).

Conditions:
Specific granule deficiency. Identifiers: Orphanet 169142, MedGen C0398593, MONDO:0009506.

Allele frequency attached by ClinVar (database versions not stated): ExAC 0.00001; gnomAD 0.00001; TOPMed 0.00002.

Submission:

Labcorp Genetics (formerly Invitae), Labcorp
Classification: Uncertain significance for Specific granule deficiency. Last evaluated: 2024-07-23. Review status: criteria provided, single submitter. Criteria: Invitae Variant Classification Sherloc (09022015). Collection method: clinical testing. Allele origin: germline.
Comment: This sequence change replaces aspartic acid, which is acidic and polar, with asparagine, which is neutral and polar, at codon 258 of the CEBPE protein (p.Asp258Asn). This variant is present in population databases (rs755654290, gnomAD 0.03%). This variant has not been reported in the literature in individuals affected with CEBPE-related conditions. An algorithm developed to predict the effect of missense changes on protein structure and function (PolyPhen-2) suggests that this variant is likely to be disruptive. In summary, the available evidence is currently insufficient to determine the role of this variant in disease. Therefore, it has been classified as a Variant of Uncertain Significance.

NM_001805.4(CEBPE):c.772G>A (p.Asp258Asn)

Gene: CEBPE (CCAAT enhancer binding protein epsilon; minus strand). Cytogenetic location: 14q11.2.
Variant type: single nucleotide variant.
Coding change: c.772G>A on transcript NM_001805.4 (MANE Select); coding-DNA position 772, G replaced by A.
Protein change: p.Asp258Asn; replaces aspartic acid 258 with asparagine.
Molecular consequence: missense variant.
Genome position (GRCh38, 1-based): chr14:23,117,561, C>T on the plus strand (G>A on the coding strand, the complement: CEBPE is on the minus strand). VCF-style: chr14-23117561-C-T. GRCh37 (hg19) VCF-style: chr14-23586770-C-T.
Other names: short protein forms D258N.
Identifiers: ClinVar variation 2895439 (VCV002895439.3), dbSNP rs755654290, ClinGen allele CA7111103.